The following is an entry in ClinVar:

NM_015073.3(SIPA1L3):c.4508G>A (p.Arg1503Gln)

Gene: SIPA1L3 (signal induced proliferation associated 1 like 3; plus strand). Cytogenetic location: 19q13.13.
Variant type: single nucleotide variant.
Coding change: c.4508G>A on transcript NM_015073.3 (MANE Select); coding-DNA position 4508, G replaced by A.
Protein change: p.Arg1503Gln; replaces arginine 1503 with glutamine.
Molecular consequence: missense variant.
Genome position (GRCh38, 1-based): chr19:38,192,222, G>A. VCF-style: chr19-38192222-G-A. GRCh37 (hg19) VCF-style: chr19-38682862-G-A.
Other names: c.4508G>A (NM_015073.1); short protein forms R1503Q.
Identifiers: ClinVar variation 2139142 (VCV002139142.6), dbSNP rs148301092, ClinGen allele CA9410374.

ClinVar aggregate classification (germline): Uncertain significance. Review status: criteria provided, multiple submitters, no conflicts (2 of 4 stars). 2 submissions from 2 submitters: Uncertain significance (2). Last evaluated 2025-11-17.

Allele frequency attached by ClinVar (database versions not stated): ExAC 0.00004; gnomAD 0.00007; ESP Exome Variant Server 0.00008; gnomAD exomes 0.00011; TOPMed 0.00011.
gnomAD v4.1: 165 of 1,613,542 alleles (0.01%); highest among the groups gnomAD compares: Non-Finnish European, 0.013%; no homozygotes.

Submissions (2):

Labcorp Genetics (formerly Invitae), Labcorp
Classification: Uncertain significance. Last evaluated: 2025-11-17. Review status: criteria provided, single submitter. Criteria: Invitae Variant Classification Sherloc (09022015). Collection method: clinical testing. Allele origin: germline.
Comment: This sequence change replaces arginine, which is basic and polar, with glutamine, which is neutral and polar, at codon 1503 of the SIPA1L3 protein (p.Arg1503Gln). This variant is present in population databases (rs148301092, gnomAD 0.02%). This variant has not been reported in the literature in individuals affected with SIPA1L3-related conditions. ClinVar contains an entry for this variant (Variation ID: 2139142). An algorithm developed to predict the effect of missense changes on protein structure and function (PolyPhen-2) suggests that this variant is likely to be disruptive. In summary, the available evidence is currently insufficient to determine the role of this variant in disease. Therefore, it has been classified as a Variant of Uncertain Significance.

Ambry Genetics
Classification: Uncertain significance. Last evaluated: 2024-11-19. Review status: criteria provided, single submitter. Criteria: Ambry Variant Classification Scheme 2023. Collection method: clinical testing. Allele origin: germline.